The following is an entry in ClinVar:

ClinVar aggregate classification (germline): Likely benign. Review status: criteria provided, multiple submitters, no conflicts (2 of 4 stars). 9 submissions from 9 submitters: Likely benign (6). 3 of the submissions do not count toward it. Last evaluated 2026-09-08.

Conditions:
GLA-related disorder. Also called: GLA-related condition.
Cardiomyopathy (CMYO). Also called: Cardiomyopathies. Identifiers: Orphanet 167848, MedGen C0878544, MONDO:0004994, HP:0001638. Inheritance: Various modes of inheritance.
Fabry disease. Also called: Fabry's disease; Angiokeratoma corporis diffusum; Ceramide trihexosidosis; ALPHA-GALACTOSIDASE A DEFICIENCY; ANDERSON-FABRY DISEASE; CERAMIDE TRIHEXOSIDASE DEFICIENCY. Identifiers: Orphanet 324, MedGen C0002986, MONDO:0010526, OMIM 301500, HP:0001071. Disease mechanism: loss of function, Fabry disease is due to inactivating mutations in the X-linked GLA gene resulting in deficiency of the enzyme Alpha Galactosidase-A..

Allele frequency attached by ClinVar (database versions not stated): gnomAD 0.00014 and 0.00015; TOPMed 0.00014; ExAC 0.00015; ESP Exome Variant Server 0.00028.
gnomAD v4.1: 219 of 1,202,489 alleles (0.018%); highest among the groups gnomAD compares: Non-Finnish European, 0.022%; no homozygotes.

Submissions (9):

Genomenon, Inc
Classification: Likely benign for Fabry disease. Last evaluated: 2026-09-08. Review status: criteria provided, single submitter. Criteria: Genomenon Sequence Variant Interpretation Standards - Updated. Collection method: curation. Allele origin: germline. Affected: no.
Comment: GLA c.-8C>G is a variant located in the 5′ untranslated region (5′ UTR). This variant has been reported in the published literature (PMID:26866599). This variant was observed in several healthy hemizygous individuals in gnomAD. In conclusion, we classify GLA c.-8C>G as a likely benign variant.

Molecular Diagnostic Laboratory for Inherited Cardiovascular Disease, Montreal Heart Institute
Classification: Likely benign. Last evaluated: 2025-04-09. Review status: criteria provided, single submitter. Criteria: ACMG Guidelines, 2015. Collection method: clinical testing. Allele origin: germline. Affected: no.

Blueprint Genetics
Classification: Likely benign. Last evaluated: 2024-08-22. Review status: criteria provided, single submitter. Criteria: ACMG Guidelines, 2015. Collection method: clinical testing. Allele origin: germline.

Women's Health and Genetics/Laboratory Corporation of America, LabCorp
Classification: Likely benign. Last evaluated: 2021-11-15. Review status: criteria provided, single submitter. Criteria: LabCorp Variant Classification Summary - May 2015. Collection method: clinical testing. Allele origin: germline.
Comment: Variant summary: GLA c.-8C>G alters a non-conserved nucleotide located in the untranslated mRNA region upstream of the initiation codon. The variant allele was found at a frequency of 0.00012 in 183194 control chromosomes. This frequency is not significantly higher than estimated for a pathogenic variant in GLA causing Fabry Disease (0.00012 vs 0.005), allowing no conclusion about variant significance. c.-8C>G has been reported in the literature in at-least one individual affected with Small Fiber Neuropathy who was not confirmed to have Fabry Disease (example, de Greef_2016). These report(s) do not provide unequivocal conclusions about association of the variant with Fabry Disease. To our knowledge, no experimental evidence demonstrating an impact on protein function has been reported. Two clinical diagnostic laboratories have submitted clinical-significance assessments for this variant to ClinVar after 2014 without evidence for independent evaluation. One laboratory classified the variant as likely benign and one laboratory classified the variant as uncertain significance. Based on the evidence outlined above, the variant was classified as likely benign.

Genome-Nilou Lab
Classification: Likely benign for Fabry disease. Last evaluated: 2021-07-15. Review status: criteria provided, single submitter. Criteria: ACMG Guidelines, 2015. Collection method: clinical testing. Allele origin: germline. Affected: no.

Color Diagnostics, LLC DBA Color Health
Classification: Likely benign for Fabry disease. Last evaluated: 2018-08-27. Review status: criteria provided, single submitter. Criteria: ACMG Guidelines, 2015. Collection method: clinical testing. Allele origin: germline.

PreventionGenetics, part of Exact Sciences
Classification: Likely benign for GLA-related condition. Last evaluated: 2020-09-30. Review status: no assertion criteria provided. Collection method: clinical testing. Allele origin: germline. Not counted in ClinVar's aggregate classification.
Comment: This variant is classified as likely benign based on ACMG/AMP sequence variant interpretation guidelines (Richards et al. 2015 PMID: 25741868, with internal and published modifications).

Laboratory for Molecular Medicine, Mass General Brigham Personalized Medicine
No classification provided. Last evaluated: 2013-02-19. Review status: no classification provided. Collection method: clinical testing. Allele origin: germline. Observed: 3 variant alleles. Not counted in ClinVar's aggregate classification.
Comment: -8C>G in exon 8 of GLA: This variant is outside of the Kosiak sequence at the translation start site, and is thus outside of the ROI for this test.

CHEO Genetics Diagnostic Laboratory, Children's Hospital of Eastern Ontario
Classification: Uncertain significance for Cardiomyopathy. Last evaluated: 2015-11-05. Review status: flagged submission. Criteria: ACMG Guidelines, 2015. Collection method: clinical testing. Allele origin: germline. Study: Canadian Open Genetics Repository. Not counted in ClinVar's aggregate classification.
ClinVar note: Reason: Older and outlier claim with insufficient supporting evidence

Literature cited by the submitters: PubMed 26866599 (cited by Genomenon, Inc and Women's Health and Genetics/Laboratory Corporation of America, LabCorp).

NM_000169.3(GLA):c.-8C>G

Genes: GLA (galactosidase alpha; minus strand), RPL36A-HNRNPH2 (RPL36A-HNRNPH2 readthrough; plus strand). Cytogenetic location: Xq22.1.
Variant type: single nucleotide variant.
Coding change: c.-8C>G on transcript NM_000169.3 (MANE Select); 8 bases upstream of the start codon, C replaced by G.
Molecular consequence: 5 prime UTR variant. On other transcripts: non-coding transcript variant (3), intron variant (2).
Genome position (GRCh38, 1-based): chrX:101,407,911, G>C on the plus strand (C>G on the coding strand, the complement: GLA is on the minus strand). VCF-style: chrX-101407911-G-C. GRCh37 (hg19) VCF-style: chrX-100662899-G-C.
Other names: c.-8C>G (NM_001406747.1, NM_001406748.1, NM_001406749.1); c.301-4025G>C (NM_001199973.2); c.178-4025G>C (NM_001199974.2).
Identifiers: ClinVar variation 163550 (VCV000163550.17), dbSNP rs371291716, ClinGen allele CA022166.